The following is an entry in ClinVar:

ClinVar aggregate classification (germline): Pathogenic (1 of 4 stars; one submission).

Submission:

Labcorp Genetics (formerly Invitae), Labcorp
Classification: Pathogenic. Last evaluated: 2022-03-15. Review status: criteria provided, single submitter. Criteria: Invitae Variant Classification Sherloc (09022015). Collection method: clinical testing. Allele origin: germline.
Comment: This variant is not present in population databases (gnomAD no frequency). This sequence change creates a premature translational stop signal (p.Tyr322*) in the OCA2 gene. It is expected to result in an absent or disrupted protein product. Loss-of-function variants in OCA2 are known to be pathogenic (PMID: 19865097, 21541274). This variant has not been reported in the literature in individuals affected with OCA2-related conditions. For these reasons, this variant has been classified as Pathogenic.

Literature cited by the submitters: PubMed 19865097; PubMed 21541274.

NM_000275.3(OCA2):c.966C>A (p.Tyr322Ter)

Gene: OCA2 (OCA2 melanosomal transmembrane protein; minus strand). Cytogenetic location: 15q13.1.
Variant type: single nucleotide variant.
Coding change: c.966C>A on transcript NM_000275.3 (MANE Select); coding-DNA position 966, C replaced by A.
Protein change: p.Tyr322Ter; replaces tyrosine 322 with a stop codon.
Molecular consequence: nonsense.
Genome position (GRCh38, 1-based): chr15:28,014,854, G>T on the plus strand (C>A on the coding strand, the complement: OCA2 is on the minus strand). VCF-style: chr15-28014854-G-T. GRCh37 (hg19) VCF-style: chr15-28260000-G-T.
Other names: c.966C>A, p.Tyr322Ter (NM_001300984.2); short protein forms Y322*.
Identifiers: ClinVar variation 2112519 (VCV002112519.4), dbSNP rs2548435013, ClinGen allele CA391364962.